The following is an entry in ClinVar:

NM_018249.6(CDK5RAP2):c.2165dup (p.Asn722fs)

Gene: CDK5RAP2 (CDK5 regulatory subunit associated protein 2; minus strand). Cytogenetic location: 9q33.2.
Variant type: Duplication.
Coding change: c.2165dup on transcript NM_018249.6 (MANE Select); coding-DNA position 2165, one base duplicated (A; older notation c.2165dupA).
Protein change: p.Asn722fs; shifts the reading frame from asparagine 722.
Molecular consequence: frameshift variant. On other transcripts: non-coding transcript variant (5), intron variant (3).
Genome position (GRCh38, 1-based): chr9:120,460,609, T duplicated on the plus strand (A on the coding strand, the reverse complement: CDK5RAP2 is on the minus strand); the first of 2 consecutive T bases (chr9:120,460,609-120,460,610); duplicating either gives the same sequence. VCF-style (leftmost placement, unchanged base first): chr9-120460608-A-AT. GRCh37 (hg19) VCF-style: chr9-123222886-A-AT.
Other names: c.2165dup, p.Asn722fs (NM_001011649.3); c.2162dup, p.Asn721fs (NM_001410994.1); c.2103+7251dup (NM_001272039.2); c.2104-1987dup (NM_001410992.1); c.2107-1987dup (NM_001410993.1); short protein forms N721fs, N722fs.
Identifiers: ClinVar variation 3680572 (VCV003680572.2).

ClinVar aggregate classification (germline): Pathogenic (1 of 4 stars; one submission).

Submission:

Labcorp Genetics (formerly Invitae), Labcorp
Classification: Pathogenic. Last evaluated: 2024-09-14. Review status: criteria provided, single submitter. Criteria: Invitae Variant Classification Sherloc (09022015). Collection method: clinical testing. Allele origin: germline.
Comment: This sequence change creates a premature translational stop signal (p.Asn722Lysfs*5) in the CDK5RAP2 gene. It is expected to result in an absent or disrupted protein product. Loss-of-function variants in CDK5RAP2 are known to be pathogenic (PMID: 15793586, 20460369, 26436113). This variant is not present in population databases (gnomAD no frequency). This variant has not been reported in the literature in individuals affected with CDK5RAP2-related conditions. Algorithms developed to predict the effect of sequence changes on RNA splicing suggest that this variant may disrupt the consensus splice site. For these reasons, this variant has been classified as Pathogenic.

Literature cited by the submitters: PubMed 15793586; PubMed 20460369; PubMed 26436113.